The following is an entry in ClinVar:

NM_006440.5(TXNRD2):c.1266G>C (p.Glu422Asp)

Gene: TXNRD2 (thioredoxin reductase 2; minus strand). Cytogenetic location: 22q11.21.
Variant type: single nucleotide variant.
Coding change: c.1266G>C on transcript NM_006440.5 (MANE Select); coding-DNA position 1266, G replaced by C.
Protein change: p.Glu422Asp; replaces glutamic acid 422 with aspartic acid.
Molecular consequence: missense variant. On other transcripts: non-coding transcript variant (1).
Genome position (GRCh38, 1-based): chr22:19,880,188, C>G on the plus strand (G>C on the coding strand, the complement: TXNRD2 is on the minus strand). VCF-style: chr22-19880188-C-G. GRCh37 (hg19) VCF-style: chr22-19867711-C-G.
Other names: c.1263G>C, p.Glu421Asp (NM_001352300.2); c.1176G>C, p.Glu392Asp (NM_001352301.2); c.978G>C, p.Glu326Asp (NM_001352302.2); short protein forms E422D, E326D, E392D, E421D.
Identifiers: ClinVar variation 575847 (VCV000575847.9), dbSNP rs1569070557, ClinGen allele CA410680868.
Genomic context (GRCh38, chr22:19,880,188, plus strand): 5'-TGAGGTCGTGGAGTCGCCACTGTCCTCAGCTGTGCTGCTCCCAGGCCTCACCTCAACATG[C>G]TCCTGCCCGTGGCGAGCCACTGCCTCCTCCTCGGACAGCCCCACACAGCCATACTCCAGC-3'
Protein context (NP_006431.2, residues 412-432): EEEAVARHGQ[Glu422Asp]HVEVYHAHYK

ClinVar aggregate classification (germline): Uncertain significance (1 of 4 stars; one submission).

Conditions:
Primary dilated cardiomyopathy (DCM). Also called: Dilated Cardiomyopathy. Identifiers: Orphanet 217604, MedGen C0007193, MeSH D002311, MONDO:0005021, HP:0001644. Inheritance: Various modes of inheritance.

Submission:

Labcorp Genetics (formerly Invitae), Labcorp
Classification: Uncertain significance for Primary dilated cardiomyopathy. Last evaluated: 2019-10-28. Review status: criteria provided, single submitter. Criteria: Invitae Variant Classification Sherloc (09022015). Collection method: clinical testing. Allele origin: germline.
Comment: This sequence change replaces glutamic acid with aspartic acid at codon 422 of the TXNRD2 protein (p.Glu422Asp). The glutamic acid residue is moderately conserved and there is a small physicochemical difference between glutamic acid and aspartic acid. This variant is not present in population databases (ExAC no frequency). This variant has not been reported in the literature in individuals with TXNRD2-related conditions. ClinVar contains an entry for this variant (Variation ID: 575847). Algorithms developed to predict the effect of missense changes on protein structure and function (SIFT, PolyPhen-2, Align-GVGD) all suggest that this variant is likely to be tolerated, but these predictions have not been confirmed by published functional studies and their clinical significance is uncertain. In summary, the available evidence is currently insufficient to determine the role of this variant in disease. Therefore, it has been classified as a Variant of Uncertain Significance.